The following is an entry in ClinVar:

ClinVar aggregate classification (germline): Pathogenic. Review status: reviewed by expert panel (3 of 4 stars). 18 submissions from 18 submitters: Pathogenic (1). 17 of the submissions do not count toward it. Last evaluated 2016-04-22.

Conditions:
BRCA2-related cancer predisposition. Identifiers: MedGen CN377758, MONDO:0700269.
BRCA2-related disorder. Also called: BRCA2-related condition; BRCA2-related disorders. Identifiers: MedGen CN239275.
Inherited breast cancer and ovarian cancer.
Hereditary cancer-predisposing syndrome. Also called: Tumor predisposition; Neoplastic Syndromes, Hereditary; Hereditary neoplastic syndrome; Hereditary Cancer Syndrome. Identifiers: Orphanet 140162, MedGen C0027672, MeSH D009386, MONDO:0015356.
Hereditary breast ovarian cancer syndrome. Also called: Hereditary breast and ovarian cancer; BRCA1- and BRCA2-Associated Hereditary Breast and Ovarian Cancer; Hereditary breast and/or ovarian cancer syndrome; Hereditary breast and ovarian cancer syndrome; Breast and ovarian cancer; Hereditary breast and ovarian cancer syndrome (HBOC). Identifiers: Orphanet 145, MedGen C0677776, MeSH D061325, MONDO:0003582. Disease mechanism: loss of function.
Breast-ovarian cancer, familial, susceptibility to, 2 (BROVCA2). Also called: BRCA2 Hereditary Breast and Ovarian Cancer. Identifiers: Orphanet 145, MedGen C2675520, MONDO:0012933, OMIM 612555. Disease mechanism: loss of function.
Familial cancer of breast. Also called: BREAST CANCER, FAMILIAL; hereditary breast carcinoma; Hereditary breast cancer. Identifiers: Orphanet 227535, MedGen C0346153, MONDO:0016419, OMIM 114480. Disease mechanism: loss of function.

gnomAD v4.1: 4 of 1,613,784 alleles (0.00025%); highest among the groups gnomAD compares: Non-Finnish European, 0.00034%; no homozygotes.

Submissions 1 to 9 of 18:

Evidence-based Network for the Interpretation of Germline Mutant Alleles (ENIGMA)
Classification: Pathogenic for Breast-ovarian cancer, familial, susceptibility to, 2. Last evaluated: 2016-04-22. Review status: reviewed by expert panel. Criteria: ENIGMA BRCA1/2 Classification Criteria (2015). Collection method: curation. Allele origin: germline.
Comment: Variant allele predicted to encode a truncated non-functional protein.

Genetics Laboratory, Great Ormond Street Hospital NHS Foundation Trust, North Thames Genomic Laboratory Hub
Classification: Pathogenic for Inherited breast cancer and ovarian cancer. Last evaluated: 2026-02-17. Review status: criteria provided, single submitter. Criteria: CanVIG BRCA Gene Specific V1.22. Collection method: clinical testing. Allele origin: germline. Affected: yes. Not counted in ClinVar's aggregate classification.
Comment: PS4_supporting, PM2_moderate, PVS1_very-strong, PM5_strong

Labcorp Genetics (formerly Invitae), Labcorp
Classification: Pathogenic for Hereditary breast ovarian cancer syndrome. Last evaluated: 2025-09-28. Review status: criteria provided, single submitter. Criteria: Invitae Variant Classification Sherloc (09022015). Collection method: clinical testing. Allele origin: germline. Not counted in ClinVar's aggregate classification.
Comment: This sequence change creates a premature translational stop signal (p.Gln84*) in the BRCA2 gene. It is expected to result in an absent or disrupted protein product. Loss-of-function variants in BRCA2 are known to be pathogenic (PMID: 20104584). This variant is not present in population databases (gnomAD no frequency). This premature translational stop signal has been observed in individual(s) with breast, ovarian and prostate cancer (PMID: 18445692, 20807450, 20858050, 21939546, 22970155). This variant is also known as 478C>T. ClinVar contains an entry for this variant (Variation ID: 51298). RNA analysis performed to evaluate the impact of this premature translational stop signal on mRNA splicing indicates it does not significantly alter splicing (internal data). For these reasons, this variant has been classified as Pathogenic.

Color Diagnostics, LLC DBA Color Health
Classification: Pathogenic for Hereditary cancer-predisposing syndrome. Last evaluated: 2025-08-19. Review status: criteria provided, single submitter. Criteria: ACMG Guidelines, 2015. Collection method: clinical testing. Allele origin: germline. Not counted in ClinVar's aggregate classification.
Comment: This variant changes 1 nucleotide in exon 3 of the BRCA2 gene, creating a premature translation stop signal. This variant is expected to result in an absent or non-functional protein product. This variant has been reported in at least five individuals affected with breast and/or ovarian cancer and more than 20 suspected hereditary breast and ovarian cancer families (PMID: 21939546, 22970155, 26681312, 29446198, 30720863, 31090900), and it also has been detected in a breast cancer case-control meta-analysis in 2/60466 cases and 0/53461 unaffected individuals (PMID: 33471991Leiden Open Variation Database DB-ID BRCA2_003242). A multifactorial analysis has reached a combined likelihood ratio (LR) of 1.307 based on reported LR for co-occurrence with a pathogenic variant and personal and family history for 1 carrier (PMID: 31853058). This variant has not been identified in the general population by the Genome Aggregation Database (gnomAD). Loss of BRCA2 function is a known mechanism of disease. Based on the available evidence, this variant is classified as Pathogenic.

Victorian Clinical Genetics Services, Murdoch Childrens Research Institute
Classification: Pathogenic for BRCA2-related cancer predisposition. Last evaluated: 2025-03-05. Review status: criteria provided, single submitter. Criteria: ACMG Guidelines, 2015. Collection method: clinical testing. Allele origin: germline. Affected: no. Not counted in ClinVar's aggregate classification.
Comment: This variant is classified as Pathogenic. Evidence in support of pathogenic classification: Variant is predicted to cause nonsense-mediated decay (NMD) and loss of protein (premature termination codon is located at least 54 nucleotides upstream of the final exon-exon junction); Variant is present in gnomAD <0.01 (v4: 4 heterozygote(s), 0 homozygote(s)); This variant has strong previous evidence of pathogenicity in unrelated individuals. This variant has been classified as pathogenic by many clinical laboratories in ClinVar including the ENIGMA expert panel; Other NMD-predicted variant(s) comparable to the one identified in this case have very strong previous evidence for pathogenicity (DECIPHER). Additional information: This variant is heterozygous; This gene is associated with both recessive and dominant disease. Predisposition to cancer follows an autosomal dominant inheritance pattern, while Fanconi anaemia (MIM#605724) is associated with autosomal recessive inheritance (OMIM, PMID: 14559878); Loss of function is a known mechanism of disease in this gene and is associated with Fanconi anaemia, complementation group D1 (MIM#605724) and predisposition to breast, ovarian, and other cancers (MIM#612555, MIM#114480, MIM#613029, MIM#155255, MIM#613347, MIM#176807, MIM#194070); The condition associated with this gene has incomplete penetrance. Incomplete penetrance for the cancer phenotypes caused by this gene is well reported (PMIDs: 15994883, 20301425).

GeneDx
Classification: Pathogenic. Last evaluated: 2024-06-12. Review status: criteria provided, single submitter. Criteria: GeneDx Variant Classification Process June 2021. Collection method: clinical testing. Allele origin: germline. Affected: yes. Not counted in ClinVar's aggregate classification.
Comment: Nonsense variant predicted to result in protein truncation or nonsense mediated decay in a gene for which loss of function is a known mechanism of disease; Observed in individuals with a personal or family history consistent with pathogenic variants in this gene (PMID: 20807450, 21939546, 22970155, 28294317); Truncating variants in this gene are considered pathogenic by a well-established clinical consortium and/or database; Not observed at significant frequency in large population cohorts (gnomAD); Also known as 478C>T; This variant is associated with the following publications: (PMID: 18445692, 26586665, 20858050, 26681312, 28294317, 29446198, 30702160, 20807450, 21939546, 22970155, 34399810, 30720863, 31825140, 31090900, 30787465, 20104584, 34887416, 37310942, 30145549, 31853058, 35216584)

Ambry Genetics
Classification: Pathogenic for Hereditary cancer-predisposing syndrome. Last evaluated: 2024-02-13. Review status: criteria provided, single submitter. Criteria: Ambry Variant Classification Scheme 2023. Collection method: clinical testing. Allele origin: germline. Not counted in ClinVar's aggregate classification.
Comment: The p.Q84* pathogenic mutation (also known as c.250C>T), located in coding exon 2 of the BRCA2 gene, results from a C to T substitution at nucleotide position 250. This changes the amino acid from a glutamine to a stop codon within coding exon 2. This mutation has been reported in multiple individuals and families with Hereditary Breast and Ovarian Cancer (HBOC) syndrome (Willems AJ et al. Clin. Cancer Res., 2008 May;14:2953-61; Turkovic L et al. BMC Cancer, 2010;10:466; Coulet F et al. Genet Test Mol Biomarkers, 2010 Oct;14:677-90; Muller D et al. BMC Med. Genet., 2011 Sep;12:121; Kwong A et al. PLoS ONE, 2012 Sep;7:e43994; Susswein LR et al. Genet Med, 2016 08;18:823-32; Lang GT et al. Int J Cancer, 2017 07;141:129-142; Rebbeck TR et al. Hum Mutat, 2018 05;39:593-620; Nguyen-Dumont T et al. BMC Cancer, 2018 02;18:165; Deng M et al. Int J Cancer, 2019 09;145:1517-1528; Nones K et al. Ann Oncol, 2019 07;30:1071-1079). In addition to the clinical data presented in the literature, this alteration is expected to result in loss of function by premature protein truncation or nonsense-mediated mRNA decay. As such, this alteration is interpreted as a disease-causing mutation.

Blueprint Genetics
Classification: Pathogenic for BRCA2-related disorders. Last evaluated: 2023-06-09. Review status: criteria provided, single submitter. Criteria: ACMG Guidelines, 2015. Collection method: clinical testing. Allele origin: germline. Affected: yes. Observed: 1 variant allele. Not counted in ClinVar's aggregate classification.

Baylor Genetics
Classification: Pathogenic for Familial cancer of breast. Last evaluated: 2021-10-30. Review status: criteria provided, single submitter. Criteria: ACMG Guidelines, 2015. Collection method: clinical testing. Allele origin: unknown. Not counted in ClinVar's aggregate classification.

NM_000059.4(BRCA2):c.250C>T (p.Gln84Ter)

Gene: BRCA2 (BRCA2 DNA repair associated; plus strand). Cytogenetic location: 13q13.1.
Variant type: single nucleotide variant.
Coding change: c.250C>T on transcript NM_000059.4 (MANE Select); coding-DNA position 250, C replaced by T.
Protein change: p.Gln84Ter; replaces glutamine 84 with a stop codon.
Molecular consequence: nonsense.
Genome position (GRCh38, 1-based): chr13:32,319,259, C>T. VCF-style: chr13-32319259-C-T. GRCh37 (hg19) VCF-style: chr13-32893396-C-T.
Other names: p.Q84*:CAA>TAA; 478C>T; short protein forms Q84*.
Identifiers: ClinVar variation 51298 (VCV000051298.34), dbSNP rs80358515, ClinGen allele CA015512.